The following is an entry in ClinVar:

NM_002907.4(RECQL):c.794C>T (p.Ala265Val)

Gene: RECQL (RecQ like helicase; minus strand). Cytogenetic location: 12p12.1.
Variant type: single nucleotide variant.
Coding change: c.794C>T on transcript NM_002907.4 (MANE Select); coding-DNA position 794, C replaced by T.
Protein change: p.Ala265Val; replaces alanine 265 with valine.
Molecular consequence: missense variant.
Genome position (GRCh38, 1-based): chr12:21,477,876, G>A on the plus strand (C>T on the coding strand, the complement: RECQL is on the minus strand). VCF-style: chr12-21477876-G-A. GRCh37 (hg19) VCF-style: chr12-21630810-G-A.
Other names: c.794C>T, p.Ala265Val (NM_032941.3); short protein forms A265V.
Identifiers: ClinVar variation 3787914 (VCV003787914.1).

ClinVar aggregate classification (germline): Uncertain significance (1 of 4 stars; one submission).

Submission:

Ambry Genetics
Classification: Uncertain significance. Last evaluated: 2025-02-03. Review status: criteria provided, single submitter. Criteria: Ambry Variant Classification Scheme 2023. Collection method: clinical testing. Allele origin: germline.
Comment: The p.A265V variant (also known as c.794C>T), located in coding exon 6 of the RECQL gene, results from a C to T substitution at nucleotide position 794. The alanine at codon 265 is replaced by valine, an amino acid with similar properties. This amino acid position is conserved. In addition, this alteration is predicted to be tolerated by in silico analysis. Based on the available evidence, the clinical significance of this variant remains unclear.